The following is an entry in ClinVar:

NM_003108.4(SOX11):c.1283A>G (p.Asp428Gly)

Gene: SOX11 (SRY-box transcription factor 11; plus strand). Cytogenetic location: 2p25.2.
Variant type: single nucleotide variant.
Coding change: c.1283A>G on transcript NM_003108.4 (MANE Select); coding-DNA position 1283, A replaced by G.
Protein change: p.Asp428Gly; replaces aspartic acid 428 with glycine.
Molecular consequence: missense variant.
Genome position (GRCh38, 1-based): chr2:5,694,004, A>G. VCF-style: chr2-5694004-A-G. GRCh37 (hg19) VCF-style: chr2-5834136-A-G.
Other names: short protein forms D428G.
Identifiers: ClinVar variation 4976462 (VCV004976462.1).
Genomic context (GRCh38, chr2:5,694,004, plus strand): 5'-GCTCCCACTTCGAGTTCCCCGACTACTGCACGCCGGAGCTGAGCGAGATGATCGCGGGGG[A>G]CTGGCTGGAGGCGAACTTCTCCGACCTGGTGTTCACATATTGAAAGGCGCCCGCTGCTCG-3'
Protein context (NP_003099.1, residues 418-438): TPELSEMIAG[Asp428Gly]WLEANFSDLV

ClinVar aggregate classification (germline): Uncertain significance (1 of 4 stars; one submission).

Submission:

GeneDx
Classification: Uncertain significance. Last evaluated: 2026-02-12. Review status: criteria provided, single submitter. Criteria: GeneDx Variant Classification Process June 2021. Collection method: clinical testing. Allele origin: germline.
Comment: Not observed at significant frequency in large population cohorts (gnomAD); In silico analysis supports that this missense variant has a deleterious effect on protein structure/function; Has not been previously published as pathogenic or benign to our knowledge